The following is an entry in ClinVar:

NM_006206.6(PDGFRA):c.3118C>A (p.His1040Asn)

Gene: PDGFRA (platelet derived growth factor receptor alpha; plus strand). Cytogenetic location: 4q12.
Variant type: single nucleotide variant.
Coding change: c.3118C>A on transcript NM_006206.6 (MANE Select); coding-DNA position 3118, C replaced by A.
Protein change: p.His1040Asn; replaces histidine 1040 with asparagine.
Molecular consequence: missense variant.
Genome position (GRCh38, 1-based): chr4:54,290,550, C>A. VCF-style: chr4-54290550-C-A. GRCh37 (hg19) VCF-style: chr4-55156717-C-A.
Other names: c.3193C>A, p.His1065Asn (NM_001347828.2); c.3118C>A, p.His1040Asn (NM_001347829.2); c.3157C>A, p.His1053Asn (NM_001347830.2); short protein forms H1040N, H1065N, H1053N.
Identifiers: ClinVar variation 4741071 (VCV004741071.2).
Genomic context (GRCh38, chr4:54,290,550, plus strand): 5'-ATTCCTCTGCCTGACATTGACCCTGTCCCTGAGGAGGAGGACCTGGGCAAGAGGAACAGA[C>A]ACAGGTAGCTGTGGGGGCAGCCTCGGTGTCTCACCTTTCCCCTCCCCTATAGGCCCTGAA-3'
Protein context (NP_006197.1, residues 1030-1050): EEEDLGKRNR[His1040Asn]SSQTSEESAI

ClinVar aggregate classification (germline): Uncertain significance. Review status: criteria provided, multiple submitters, no conflicts (2 of 4 stars). 2 submissions from 2 submitters: Uncertain significance (2). Last evaluated 2026-07-06.

Conditions:
Gastrointestinal stromal tumor. Also called: Gastrointestinal stroma tumor; Gastrointestinal stromal tumor, somatic. Identifiers: Orphanet 44890, MedGen C0238198, MeSH D046152, MONDO:0011719, OMIM 606764, HP:0100723.
Hereditary cancer-predisposing syndrome. Also called: Hereditary Cancer Syndrome; Hereditary neoplastic syndrome; Neoplastic Syndromes, Hereditary; Tumor predisposition. Identifiers: Orphanet 140162, MedGen C0027672, MeSH D009386, MONDO:0015356.

Submissions (2):

Ambry Genetics
Classification: Uncertain significance for Hereditary cancer-predisposing syndrome. Last evaluated: 2026-07-06. Review status: criteria provided, single submitter. Criteria: Ambry Variant Classification Scheme 2023. Collection method: clinical testing. Allele origin: germline.
Comment: The p.H1040N variant (also known as c.3118C>A), located in coding exon 21 of the PDGFRA gene, results from a C to A substitution at nucleotide position 3118. The histidine at codon 1040 is replaced by asparagine, an amino acid with similar properties. This amino acid position is conserved. In addition, the in silico prediction for this alteration is inconclusive. Based on the available evidence, the clinical significance of this variant remains unclear.

Labcorp Genetics (formerly Invitae), Labcorp
Classification: Uncertain significance for Gastrointestinal stromal tumor. Last evaluated: 2025-03-20. Review status: criteria provided, single submitter. Criteria: Invitae Variant Classification Sherloc (09022015). Collection method: clinical testing. Allele origin: germline.
Comment: This sequence change replaces histidine, which is basic and polar, with asparagine, which is neutral and polar, at codon 1040 of the PDGFRA protein (p.His1040Asn). This variant is not present in population databases (gnomAD no frequency). This variant has not been reported in the literature in individuals affected with PDGFRA-related conditions. Invitae Evidence Modeling of protein sequence and biophysical properties (such as structural, functional, and spatial information, amino acid conservation, physicochemical variation, residue mobility, and thermodynamic stability) indicates that this missense variant is not expected to disrupt PDGFRA protein function with a negative predictive value of 80%. In summary, the available evidence is currently insufficient to determine the role of this variant in disease. Therefore, it has been classified as a Variant of Uncertain Significance.